The following is an entry in ClinVar:

ClinVar aggregate classification (germline): Uncertain significance (1 of 4 stars; one submission).

Conditions:
Premature ovarian failure 18. Identifiers: MedGen C5543095, MONDO:0030939, OMIM 619203.
Spermatogenic failure 52. Identifiers: MedGen C5543094, MONDO:0030938, OMIM 619202.

Submission:

Juno Genomics, Hangzhou Juno Genomics, Inc
Classification: Uncertain significance for Spermatogenic failure 52; Premature ovarian failure 18. Review status: criteria provided, single submitter. Criteria: ACMG Guidelines, 2015. Collection method: clinical testing. Allele origin: germline.
Comment: Absent from controls (or at extremely low frequency if recessive) in Genome Aggregation Database.

NM_174978.3(C14orf39):c.643G>T (p.Glu215Ter)

Gene: C14orf39 (chromosome 14 open reading frame 39; minus strand). Cytogenetic location: 14q23.1.
Variant type: single nucleotide variant.
Coding change: c.643G>T on transcript NM_174978.3 (MANE Select); coding-DNA position 643, G replaced by T.
Protein change: p.Glu215Ter; replaces glutamic acid 215 with a stop codon.
Molecular consequence: nonsense.
Genome position (GRCh38, 1-based): chr14:60,469,565, C>A on the plus strand (G>T on the coding strand, the complement: C14orf39 is on the minus strand). VCF-style: chr14-60469565-C-A. GRCh37 (hg19) VCF-style: chr14-60936283-C-A.
Other names: short protein forms E215*.
Identifiers: ClinVar variation 5005335 (VCV005005335.2).